The following is an entry in ClinVar:

ClinVar aggregate classification (germline): Uncertain significance. Review status: criteria provided, multiple submitters, no conflicts (2 of 4 stars). 2 submissions from 2 submitters: Uncertain significance (2). Last evaluated 2025-02-04.

Conditions:
Long QT syndrome (LQTS). Identifiers: MedGen C0023976, MeSH D008133, MONDO:0002442. Disease mechanism: loss of function. Inheritance: Various modes of inheritance.

gnomAD v4.1: 62 of 1,600,342 alleles (0.0039%); highest among the groups gnomAD compares: Non-Finnish European, 0.0052%; no homozygotes.

Submissions (2):

Labcorp Genetics (formerly Invitae), Labcorp
Classification: Uncertain significance for Long QT syndrome. Last evaluated: 2025-02-04. Review status: criteria provided, single submitter. Criteria: Invitae Variant Classification Sherloc (09022015). Collection method: clinical testing. Allele origin: germline.
Comment: This sequence change replaces proline, which is neutral and non-polar, with leucine, which is neutral and non-polar, at codon 1797 of the CACNA1C protein (p.Pro1797Leu). The frequency data for this variant in the population databases is considered unreliable, as metrics indicate poor data quality at this position in the gnomAD database. This variant has not been reported in the literature in individuals affected with CACNA1C-related conditions. Invitae Evidence Modeling of protein sequence and biophysical properties (such as structural, functional, and spatial information, amino acid conservation, physicochemical variation, residue mobility, and thermodynamic stability) indicates that this missense variant is not expected to disrupt CACNA1C protein function with a negative predictive value of 95%. In summary, the available evidence is currently insufficient to determine the role of this variant in disease. Therefore, it has been classified as a Variant of Uncertain Significance.

Blueprint Genetics
Classification: Uncertain significance. Last evaluated: 2019-12-20. Review status: criteria provided, single submitter. Criteria: ACMG Guidelines, 2015. Collection method: clinical testing. Allele origin: germline.

NM_000719.7(CACNA1C):c.5390C>T (p.Pro1797Leu)

Genes: CACNA1C (calcium voltage-gated channel subunit alpha1 C; plus strand), CACNA1C-AS1 (CACNA1C antisense RNA 1; minus strand). Cytogenetic location: 12p13.33.
Variant type: single nucleotide variant.
Coding change: c.5390C>T on transcript NM_000719.7 (MANE Select); coding-DNA position 5390, C replaced by T.
Protein change: p.Pro1797Leu; replaces proline 1797 with leucine.
Molecular consequence: missense variant.
Genome position (GRCh38, 1-based): chr12:2,679,742, C>T. VCF-style: chr12-2679742-C-T. GRCh37 (hg19) VCF-style: chr12-2788908-C-T.
Other names: c.5534C>T, p.Pro1845Leu (NM_001129827.2, NM_199460.4); c.5513C>T, p.Pro1838Leu (NM_001129829.2); c.5390C>T, p.Pro1797Leu (NM_001129830.3, NM_001129840.2, NM_001129841.2 and 4 more transcripts); c.5474C>T, p.Pro1825Leu (NM_001129831.2); c.5450C>T, p.Pro1817Leu (NM_001129832.2); c.5447C>T, p.Pro1816Leu (NM_001129833.2, NM_001129834.2, NM_001129835.2); c.5441C>T, p.Pro1814Leu (NM_001129836.2); c.5414C>T, p.Pro1805Leu (NM_001129837.2, NM_001129838.2); and 3 more; short protein forms P1805L, P1816L, P1838L, P1786L, P1817L, P1794L, P1797L, P1845L.
Identifiers: ClinVar variation 3669418 (VCV003669418.3).